The following is an entry in ClinVar:

NM_014639.4(SKIC3):c.409C>G (p.Arg137Gly)

Gene: SKIC3 (SKI3 subunit of superkiller complex; minus strand). Cytogenetic location: 5q15.
Variant type: single nucleotide variant.
Coding change: c.409C>G on transcript NM_014639.4 (MANE Select); coding-DNA position 409, C replaced by G.
Protein change: p.Arg137Gly; replaces arginine 137 with glycine.
Molecular consequence: missense variant.
Genome position (GRCh38, 1-based): chr5:95,540,824, G>C on the plus strand (C>G on the coding strand, the complement: SKIC3 is on the minus strand). VCF-style: chr5-95540824-G-C. GRCh37 (hg19) VCF-style: chr5-94876528-G-C.
Other names: short protein forms R137G.
Identifiers: ClinVar variation 2418543 (VCV002418543.3), dbSNP rs776321294, ClinGen allele CA3347605.
Genomic context (GRCh38, chr5:95,540,824, plus strand): 5'-GAAGCTCTTCATTTTCTGCACCTTGTTCCTGCCGTGTTTTTATCAACTTGTGCCATGTTC[G>C]AGCCACCTATTAAAGAAGGAGATTTTAAATTATTTTGTCCAAAATGTAAAAATGCCAATA-3'
Protein context (NP_055454.1, residues 127-147): YQEKKHLEVA[Arg137Gly]TWHKLIKTRQ

ClinVar aggregate classification (germline): Uncertain significance (1 of 4 stars; one submission).

Allele frequency attached by ClinVar (database versions not stated): ExAC 0.00008.
gnomAD v4.1: 38 of 1,613,790 alleles (0.0024%); highest among the groups gnomAD compares: South Asian, 0.037%; no homozygotes.

Submission:

Labcorp Genetics (formerly Invitae), Labcorp
Classification: Uncertain significance. Last evaluated: 2022-01-03. Review status: criteria provided, single submitter. Criteria: Invitae Variant Classification Sherloc (09022015). Collection method: clinical testing. Allele origin: germline.
Comment: This sequence change replaces arginine, which is basic and polar, with glycine, which is neutral and non-polar, at codon 137 of the TTC37 protein (p.Arg137Gly). This variant is present in population databases (rs776321294, gnomAD 0.05%). This variant has not been reported in the literature in individuals affected with TTC37-related conditions. Algorithms developed to predict the effect of missense changes on protein structure and function (SIFT, PolyPhen-2, Align-GVGD) all suggest that this variant is likely to be tolerated. In summary, the available evidence is currently insufficient to determine the role of this variant in disease. Therefore, it has been classified as a Variant of Uncertain Significance.